The following is an entry in ClinVar:

ClinVar aggregate classification (germline): Uncertain significance. Review status: criteria provided, multiple submitters, no conflicts (2 of 4 stars). 2 submissions from 2 submitters: Uncertain significance (2). Last evaluated 2025-12-02.

Conditions:
Hereditary cancer-predisposing syndrome. Also called: Hereditary Cancer Syndrome; Neoplastic Syndromes, Hereditary; Tumor predisposition; Hereditary neoplastic syndrome. Identifiers: Orphanet 140162, MedGen C0027672, MeSH D009386, MONDO:0015356.
Ataxia-telangiectasia syndrome (AT). Also called: Ataxia telangiectasia (A-T); Ataxia-telangiectasia, complementation group E; LOUIS-BAR SYNDROME; Cerebello-oculocutaneous telangiectasia; Immunodeficiency with ataxia telangiectasia; Ataxia-telangiectasia, complementation group D. Identifiers: Orphanet 100, MedGen C0004135, MONDO:0008840, OMIM 208900.

Allele frequency attached by ClinVar (database versions not stated): gnomAD 0.00001.
gnomAD v4.1: 2 of 1,613,960 alleles (0.00012%); highest among the groups gnomAD compares: Admixed American, 0.0017%; no homozygotes.

Submissions (2):

Labcorp Genetics (formerly Invitae), Labcorp
Classification: Uncertain significance for Ataxia-telangiectasia syndrome. Last evaluated: 2025-12-02. Review status: criteria provided, single submitter. Criteria: Invitae Variant Classification Sherloc (09022015). Collection method: clinical testing. Allele origin: germline.
Comment: This sequence change replaces proline, which is neutral and non-polar, with threonine, which is neutral and polar, at codon 960 of the ATM protein (p.Pro960Thr). This variant is not present in population databases (gnomAD no frequency). This variant has not been reported in the literature in individuals affected with ATM-related conditions. ClinVar contains an entry for this variant (Variation ID: 231865). Invitae Evidence Modeling of protein sequence and biophysical properties (such as structural, functional, and spatial information, amino acid conservation, physicochemical variation, residue mobility, and thermodynamic stability) indicates that this missense variant is not expected to disrupt ATM protein function with a negative predictive value of 95%. In summary, the available evidence is currently insufficient to determine the role of this variant in disease. Therefore, it has been classified as a Variant of Uncertain Significance.

Ambry Genetics
Classification: Uncertain significance for Hereditary cancer-predisposing syndrome. Last evaluated: 2024-11-19. Review status: criteria provided, single submitter. Criteria: Ambry Variant Classification Scheme 2023. Collection method: clinical testing. Allele origin: germline.
Comment: The p.P960T variant (also known as c.2878C>A), located in coding exon 18 of the ATM gene, results from a C to A substitution at nucleotide position 2878. The proline at codon 960 is replaced by threonine, an amino acid with highly similar properties. This amino acid position is not well conserved in available vertebrate species. In addition, this alteration is predicted to be tolerated by in silico analysis. Based on the available evidence, the clinical significance of this variant remains unclear.

NM_000051.4(ATM):c.2878C>A (p.Pro960Thr)

Gene: ATM (ATM serine/threonine kinase; plus strand). Cytogenetic location: 11q22.3.
Variant type: single nucleotide variant.
Coding change: c.2878C>A on transcript NM_000051.4 (MANE Select); coding-DNA position 2878, C replaced by A.
Protein change: p.Pro960Thr; replaces proline 960 with threonine.
Molecular consequence: missense variant.
Genome position (GRCh38, 1-based): chr11:108,271,103, C>A. VCF-style: chr11-108271103-C-A. GRCh37 (hg19) VCF-style: chr11-108141830-C-A.
Other names: c.2878C>A, p.Pro960Thr (NM_001351834.2); short protein forms P960T.
Identifiers: ClinVar variation 231865 (VCV000231865.13), dbSNP rs876659412, ClinGen allele CA10579074.